The following is an entry in ClinVar:

NM_001387430.1(SH2B1):c.842G>C (p.Gly281Ala)

Gene: SH2B1 (SH2B adaptor protein 1; plus strand). Cytogenetic location: 16p11.2.
Variant type: single nucleotide variant.
Coding change: c.842G>C on transcript NM_001387430.1 (MANE Select); coding-DNA position 842, G replaced by C.
Protein change: p.Gly281Ala; replaces glycine 281 with alanine.
Molecular consequence: missense variant. On other transcripts: intron variant (1).
Genome position (GRCh38, 1-based): chr16:28,866,936, G>C. VCF-style: chr16-28866936-G-C. GRCh37 (hg19) VCF-style: chr16-28878257-G-C.
Other names: c.842G>C, p.Gly281Ala (NM_001145795.2, NM_001145796.2, NM_001145797.2 and 4 more transcripts); c.-26-438G>C (NM_001308294.2); short protein forms G281A.
Identifiers: ClinVar variation 3350208 (VCV003350208.1).

ClinVar aggregate classification (germline): Uncertain significance (0 of 4 stars; one submission).

Conditions:
SH2B1-related disorder. Also called: SH2B1-related condition.

Submission:

PreventionGenetics, part of Exact Sciences
Classification: Uncertain significance for SH2B1-related condition. Last evaluated: 2024-05-07. Review status: no assertion criteria provided. Collection method: clinical testing. Allele origin: germline.
Comment: The SH2B1 c.842G>C variant is predicted to result in the amino acid substitution p.Gly281Ala. To our knowledge, this variant has not been reported in the literature or in a large population database, indicating this variant is rare. At this time, the clinical significance of this variant is uncertain due to the absence of conclusive functional and genetic evidence.